The following is an entry in ClinVar:

NM_004006.3(DMD):c.4900G>T (p.Val1634Leu)

Gene: DMD (dystrophin; minus strand). Cytogenetic location: Xp21.1.
Variant type: single nucleotide variant.
Coding change: c.4900G>T on transcript NM_004006.3 (MANE Select); coding-DNA position 4900, G replaced by T.
Protein change: p.Val1634Leu; replaces valine 1634 with leucine.
Molecular consequence: missense variant.
Genome position (GRCh38, 1-based): chrX:32,365,145, C>A on the plus strand (G>T on the coding strand, the complement: DMD is on the minus strand). VCF-style: chrX-32365145-C-A. GRCh37 (hg19) VCF-style: chrX-32383262-C-A.
Other names: c.4876G>T, p.Val1626Leu (NM_000109.4); c.4888G>T, p.Val1630Leu (NM_004009.3); c.4531G>T, p.Val1511Leu (NM_004010.3); c.877G>T, p.Val293Leu (NM_004011.4); c.868G>T, p.Val290Leu (NM_004012.4); short protein forms V1626L, V1630L, V1634L, V290L, V293L, V1511L.
Identifiers: ClinVar variation 4768917 (VCV004768917.1).
Genomic context (GRCh38, chrX:32,365,145, plus strand): 5'-TGAGTTTATCTTCCACCAACGTCTCCTTCTTGCCCAAAACTGTTTTCAAGGCCTCTCCTA[C>A]CTCTGTGATACTCTTCAGGTGCACCTTCTGTTTCTCAATCTCTTTTTGAGTAGCCTGTGA-3'
Protein context (NP_003997.2, residues 1624-1644): QKVHLKSITE[Val1634Leu]GEALKTVLGK

ClinVar aggregate classification (germline): Uncertain significance (1 of 4 stars; one submission).

Conditions:
Duchenne muscular dystrophy (DMD). Also called: MUSCULAR DYSTROPHY, PSEUDOHYPERTROPHIC PROGRESSIVE, DUCHENNE TYPE; Duchenne Muscular Dystrophy (DMD). Identifiers: Orphanet 98896, MedGen C0013264, MONDO:0010679, OMIM 310200.

Submission:

Labcorp Genetics (formerly Invitae), Labcorp
Classification: Uncertain significance for Duchenne muscular dystrophy. Last evaluated: 2025-07-17. Review status: criteria provided, single submitter. Criteria: Invitae Variant Classification Sherloc (09022015). Collection method: clinical testing. Allele origin: germline.
Comment: This sequence change replaces valine, which is neutral and non-polar, with leucine, which is neutral and non-polar, at codon 1634 of the DMD protein (p.Val1634Leu). This variant is not present in population databases (gnomAD no frequency). This variant has not been reported in the literature in individuals affected with DMD-related conditions. Invitae Evidence Modeling of protein sequence and biophysical properties (such as structural, functional, and spatial information, amino acid conservation, physicochemical variation, residue mobility, and thermodynamic stability) indicates that this missense variant is not expected to disrupt DMD protein function with a negative predictive value of 95%. In summary, the available evidence is currently insufficient to determine the role of this variant in disease. Therefore, it has been classified as a Variant of Uncertain Significance.